The following is an entry in ClinVar:

NC_000003.12:g.(?_167684288)_(167825343_?)dup

Genes: SERPINI1 (serpin family I member 1; plus strand), PDCD10 (programmed cell death 10; minus strand). Cytogenetic location: 3q26.1.
Variant type: Duplication.
Identifiers: ClinVar variation 833442 (VCV000833442.1).

ClinVar aggregate classification (germline): Uncertain significance (1 of 4 stars; one submission).

Conditions:
Familial encephalopathy with neuroserpin inclusion bodies. Also called: ENCEPHALOPATHY, FAMILIAL, WITH COLLINS BODIES. Identifiers: Orphanet 85110, MedGen C1858680, MONDO:0011412, OMIM 604218.

Submission:

Labcorp Genetics (formerly Invitae), Labcorp
Classification: Uncertain significance for Encephalopathy, familial, with neuroserpin inclusion bodies. Last evaluated: 2019-03-22. Review status: criteria provided, single submitter. Criteria: Invitae Variant Classification Sherloc (09022015). Collection method: clinical testing. Allele origin: germline.
Comment: This variant results in a copy number gain of the genomic region encompassing the full coding sequence of the SERPINI1 gene. The boundaries of this event are unknown as they extend beyond the assayed region for this gene and therefore may encompass additional genes. As the precise location of this event is unknown, it may be in tandem or it may be located elsewhere in the genome. This variant has not been reported in the literature in individuals with SERPINI1-related conditions. In summary, the available evidence is currently insufficient to determine the role of this variant in disease. Therefore, it has been classified as a Variant of Uncertain Significance.